The following is an entry in ClinVar:

NM_000540.3(RYR1):c.362C>G (p.Thr121Ser)

Gene: RYR1 (ryanodine receptor 1; plus strand). Cytogenetic location: 19q13.2.
Variant type: single nucleotide variant.
Coding change: c.362C>G on transcript NM_000540.3 (MANE Select); coding-DNA position 362, C replaced by G.
Protein change: p.Thr121Ser; replaces threonine 121 with serine.
Molecular consequence: missense variant.
Genome position (GRCh38, 1-based): chr19:38,443,734, C>G. VCF-style: chr19-38443734-C-G. GRCh37 (hg19) VCF-style: chr19-38934374-C-G.
Other names: c.362C>G, p.Thr121Ser (NM_001042723.2); short protein forms T121S.
Identifiers: ClinVar variation 572537 (VCV000572537.13), dbSNP rs371874847, ClinGen allele CA065065.
Genomic context (GRCh38, chr19:38,443,734, plus strand): 5'-GTGGGGCCTGCTAGAAGGAGGCTGACCTCCCTCTACAACCCTAGTATCTGAGCTGCCTCA[C>G]CACCTCCCGCTCCATGACTGACAAGCTGGCCTTCGATGTGGGACTGCAGGAGGACGCAAC-3'
Protein context (NP_000531.2, residues 111-131): AHSRMYLSCL[Thr121Ser]TSRSMTDKLA

ClinVar aggregate classification (germline): Uncertain significance. Review status: criteria provided, multiple submitters, no conflicts (2 of 4 stars). 3 submissions from 3 submitters: Uncertain significance (3). Last evaluated 2026-07-18.

Conditions:
Malignant hyperthermia, susceptibility to, 1 (MHS1). Also called: RYR1-Related Malignant Hyperthermia Susceptibility; Anesthesia related hyperthermia; Malignant hyperpyrexia; Fulminating hyperpyrexia; Pharmacogenic myopathy; Malignant hyperthermia suceptibility 1. Identifiers: Orphanet 423, MedGen C2930980, MONDO:0007783, OMIM 145600.
RYR1-related disorder. Also called: RYR1-related condition; RYR1-related disorders. Identifiers: MedGen CN239331.

Allele frequency attached by ClinVar (database versions not stated): gnomAD 0.00001 and 0.00002; gnomAD exomes 0.00001 and 0.00002; TOPMed 0.00003; ESP Exome Variant Server 0.00008; ExAC 0.00002.
gnomAD v4.1: 17 of 1,613,998 alleles (0.0011%); highest among the groups gnomAD compares: Non-Finnish European, 0.0014%; no homozygotes.

Submissions (3):

GeneDx
Classification: Uncertain significance. Last evaluated: 2026-07-18. Review status: criteria provided, single submitter. Criteria: GeneDx Variant Classification Process June 2021. Collection method: clinical testing. Allele origin: germline.
Comment: Not observed at significant frequency in large population cohorts (gnomAD); In silico analysis suggests that this missense variant does not alter protein structure/function; Has not been previously published as pathogenic or benign to our knowledge; This variant is associated with the following publications: (PMID: 33767344)

Labcorp Genetics (formerly Invitae), Labcorp
Classification: Uncertain significance for RYR1-related disorder. Last evaluated: 2025-09-27. Review status: criteria provided, single submitter. Criteria: Invitae Variant Classification Sherloc (09022015). Collection method: clinical testing. Allele origin: germline.
Comment: This sequence change replaces threonine, which is neutral and polar, with serine, which is neutral and polar, at codon 121 of the RYR1 protein (p.Thr121Ser). This variant is present in population databases (rs371874847, gnomAD 0.007%). This variant has not been reported in the literature in individuals affected with RYR1-related conditions. ClinVar contains an entry for this variant (Variation ID: 572537). Invitae Evidence Modeling of protein sequence and biophysical properties (such as structural, functional, and spatial information, amino acid conservation, physicochemical variation, residue mobility, and thermodynamic stability) indicates that this missense variant is not expected to disrupt RYR1 protein function with a negative predictive value of 95%. In summary, the available evidence is currently insufficient to determine the role of this variant in disease. Therefore, it has been classified as a Variant of Uncertain Significance.

All of Us Research Program, National Institutes of Health
Classification: Uncertain significance for Malignant hyperthermia, susceptibility to, 1. Last evaluated: 2023-12-01. Review status: criteria provided, single submitter. Criteria: ACMG Guidelines, 2015. Collection method: clinical testing. Allele origin: germline. Inheritance: Autosomal dominant inheritance. Observed: 5 variant alleles, 5 heterozygotes.
Comment: This missense variant replaces threonine with serine at codon 121 of the RYR1 protein. Computational prediction suggests that this variant may not impact protein structure and function (internally defined REVEL score threshold <= 0.5, PMID: 27666373). To our knowledge, functional studies have not been reported for this variant. This variant has not been reported in individuals affected with RYR1-related disorders in the literature. This variant has been identified in 6/251420 chromosomes in the general population by the Genome Aggregation Database (gnomAD). The available evidence is insufficient to determine the role of this variant in disease conclusively. Therefore, this variant is classified as a Variant of Uncertain Significance.

This study involves interpretation of variants in research participants for the purpose of population health screening. Participant phenotype was not available at the time of variant classification. Additional details can be found in publication PMID: 35346344, PMCID: PMC8962531